The following is an entry in ClinVar:

ClinVar aggregate classification (germline): Uncertain significance. Review status: criteria provided, multiple submitters, no conflicts (2 of 4 stars). 2 submissions from 2 submitters: Uncertain significance (2). Last evaluated 2025-10-22.

gnomAD v4.1: 6 of 1,613,832 alleles (0.00037%); highest among the groups gnomAD compares: Admixed American, 0.0033%; no homozygotes.

Submissions (2):

Labcorp Genetics (formerly Invitae), Labcorp
Classification: Uncertain significance. Last evaluated: 2025-10-22. Review status: criteria provided, single submitter. Criteria: Invitae Variant Classification Sherloc (09022015). Collection method: clinical testing. Allele origin: germline.
Comment: This sequence change replaces methionine, which is neutral and non-polar, with valine, which is neutral and non-polar, at codon 332 of the ANKH protein (p.Met332Val). This variant is not present in population databases (gnomAD no frequency). This variant has not been reported in the literature in individuals affected with ANKH-related conditions. Invitae Evidence Modeling of protein sequence and biophysical properties (such as structural, functional, and spatial information, amino acid conservation, physicochemical variation, residue mobility, and thermodynamic stability) indicates that this missense variant is not expected to disrupt ANKH protein function with a negative predictive value of 80%. In summary, the available evidence is currently insufficient to determine the role of this variant in disease. Therefore, it has been classified as a Variant of Uncertain Significance.

Blueprint Genetics
Classification: Uncertain significance. Last evaluated: 2024-06-21. Review status: criteria provided, single submitter. Criteria: ACMG Guidelines, 2015. Collection method: clinical testing. Allele origin: germline.

NM_054027.6(ANKH):c.994A>G (p.Met332Val)

Gene: ANKH (ANKH inorganic pyrophosphate transport regulator; minus strand). Cytogenetic location: 5p15.2.
Variant type: single nucleotide variant.
Coding change: c.994A>G on transcript NM_054027.6 (MANE Select); coding-DNA position 994, A replaced by G.
Protein change: p.Met332Val; replaces methionine 332 with valine.
Molecular consequence: missense variant.
Genome position (GRCh38, 1-based): chr5:14,741,844, T>C on the plus strand (A>G on the coding strand, the complement: ANKH is on the minus strand). VCF-style: chr5-14741844-T-C. GRCh37 (hg19) VCF-style: chr5-14741953-T-C.
Other names: short protein forms M332V.
Identifiers: ClinVar variation 4770621 (VCV004770621.2).